The following is an entry in ClinVar:

ClinVar aggregate classification (germline): Likely pathogenic (1 of 4 stars; one submission).

Conditions:
Hereditary cancer-predisposing syndrome. Also called: Neoplastic Syndromes, Hereditary; Tumor predisposition; Hereditary Cancer Syndrome; Hereditary neoplastic syndrome. Identifiers: Orphanet 140162, MedGen C0027672, MeSH D009386, MONDO:0015356.

Submission:

Ambry Genetics
Classification: Likely pathogenic for Hereditary cancer-predisposing syndrome. Last evaluated: 2026-02-23. Review status: criteria provided, single submitter. Criteria: Ambry Variant Classification Scheme 2023. Collection method: clinical testing. Allele origin: germline.
Comment: The c.5642T>G (p.L1881*) alteration, located in exon 16 (coding exon 15) of the APC gene, consists of a T to G substitution at nucleotide position 5642. This changes the amino acid from a leucine (L) to a stop codon at amino acid position 1881. This variant occurs at the 3' terminus of the APC gene, is not expected to trigger nonsense-mediated mRNA decay and impacts the last 33.9% of the protein. However, premature stop codons are typically deleterious in nature, the impacted region is critical for protein function and a significant portion of the protein is affected (Ambry internal data). This variant was not reported in population-based cohorts in the Genome Aggregation Database (gnomAD). Based on the available evidence, this alteration is classified as likely pathogenic.

NM_000038.6(APC):c.5642T>G (p.Leu1881Ter)

Gene: APC (APC regulator of Wnt signaling pathway; plus strand). Cytogenetic location: 5q22.2.
Variant type: single nucleotide variant.
Coding change: c.5642T>G on transcript NM_000038.6 (MANE Select); coding-DNA position 5642, T replaced by G.
Protein change: p.Leu1881Ter; replaces leucine 1881 with a stop codon.
Molecular consequence: nonsense. On other transcripts: non-coding transcript variant (2).
Genome position (GRCh38, 1-based): chr5:112,841,236, T>G. VCF-style: chr5-112841236-T-G. GRCh37 (hg19) VCF-style: chr5-112176933-T-G.
Other names: c.5642T>G, p.Leu1881Ter (NM_001127510.3, NM_001354895.2, NM_001407450.1); c.5588T>G, p.Leu1863Ter (NM_001127511.3); c.5696T>G, p.Leu1899Ter (NM_001354896.2, NM_001407447.1, NM_001407448.1 and 1 more transcripts); c.5672T>G, p.Leu1891Ter (NM_001354897.2); c.5567T>G, p.Leu1856Ter (NM_001354898.2); c.5558T>G, p.Leu1853Ter (NM_001354899.2); c.5519T>G, p.Leu1840Ter (NM_001354900.2); c.5465T>G, p.Leu1822Ter (NM_001354901.2, NM_001407453.1); and 11 more; short protein forms L1752*, L1853*, L1863*, L1874*, L1909*, L1598*, L1780*, L1790*.
Identifiers: ClinVar variation 4839832 (VCV004839832.1).